The following is an entry in ClinVar:

NM_001267550.2(TTN):c.50680G>A (p.Val16894Ile)

Genes: TTN (titin; minus strand), TTN-AS1 (TTN antisense RNA 1; plus strand). Cytogenetic location: 2q31.2.
Variant type: single nucleotide variant.
Coding change: c.50680G>A on transcript NM_001267550.2 (MANE Select); coding-DNA position 50680, G replaced by A.
Protein change: p.Val16894Ile; replaces valine 16894 with isoleucine.
Molecular consequence: missense variant.
Genome position (GRCh38, 1-based): chr2:178,611,549, C>T on the plus strand (G>A on the coding strand, the complement: TTN is on the minus strand). VCF-style: chr2-178611549-C-T. GRCh37 (hg19) VCF-style: chr2-179476276-C-T.
Other names: c.45757G>A, p.Val15253Ile (NM_001256850.1); c.23485G>A, p.Val7829Ile (NM_003319.4); c.42976G>A, p.Val14326Ile (NM_133378.4); c.23860G>A, p.Val7954Ile (NM_133432.3); c.24061G>A, p.Val8021Ile (NM_133437.4); short protein forms V14326I, V15253I, V16894I, V7829I, V7954I, V8021I.
Identifiers: ClinVar variation 3392654 (VCV003392654.1).
Genomic context (GRCh38, chr2:178,611,549, plus strand): 5'-CCTTGAATTTCAAGTCCTTTATTGGGCGAGAATTAACTCTCATCCATTTCTCAGTGCCTA[C>T]TGGACACATTTCAACATGGTATCCTATGATAGGACTTCCACCATTTTTCTCTGGAGGCTT-3'
Protein context (NP_001254479.2, residues 16884-16904): IIGYHVEMCP[Val16894Ile]GTEKWMRVNS

ClinVar aggregate classification (germline): Uncertain significance (1 of 4 stars; one submission).

gnomAD v4.1: 2 of 1,612,932 alleles (0.00012%); highest among the groups gnomAD compares: Admixed American, 0.0017%; no homozygotes.

Submission:

GeneDx
Classification: Uncertain significance. Last evaluated: 2024-06-26. Review status: criteria provided, single submitter. Criteria: GeneDx Variant Classification Process June 2021. Collection method: clinical testing. Allele origin: germline. Affected: yes.
Comment: Not observed at significant frequency in large population cohorts (gnomAD); Missense variant in a gene in which most reported pathogenic variants are truncating/loss of function; Has not been previously published as pathogenic or benign to our knowledge